The following is an entry in ClinVar:

NM_020778.5(ALPK3):c.2T>C (p.Met1Thr)

Gene: ALPK3 (alpha kinase 3; plus strand). Cytogenetic location: 15q25.3.
Variant type: single nucleotide variant.
Coding change: c.2T>C on transcript NM_020778.5 (MANE Select); coding-DNA position 2, T replaced by C.
Protein change: p.Met1Thr; changes the start codon (methionine 1).
Molecular consequence: missense variant, initiator codon variant.
Genome position (GRCh38, 1-based): chr15:84,817,454, T>C. VCF-style: chr15-84817454-T-C. GRCh37 (hg19) VCF-style: chr15-85360685-T-C.
Other names: short protein forms M1T.
Identifiers: ClinVar variation 4613515 (VCV004613515.1).

ClinVar aggregate classification (germline): Uncertain significance (1 of 4 stars; one submission).

Conditions:
Cardiovascular phenotype. Identifiers: MedGen CN230736.

Submission:

Ambry Genetics
Classification: Uncertain significance for Cardiovascular phenotype. Last evaluated: 2025-11-16. Review status: criteria provided, single submitter. Criteria: Ambry Variant Classification Scheme 2023. Collection method: clinical testing. Allele origin: germline.
Comment: The p.M203T variant (also known as c.608T>C), located in coding exon 1 of the ALPK3 gene, results from a T to C substitution at nucleotide position 608. The methionine at codon 203 is replaced by threonine, an amino acid with similar properties. This amino acid position is conserved. In addition, this alteration is predicted to be tolerated by in silico analysis. Based on the available evidence, the clinical significance of this variant remains unclear.